The following is an entry in ClinVar:

NM_004100.5(EYA4):c.1808A>G (p.Asp603Gly)

Genes: TARID (TCF21 antisense RNA inducing promoter demethylation; minus strand), EYA4 (EYA transcriptional coactivator and phosphatase 4; plus strand). Cytogenetic location: 6q23.2.
Variant type: single nucleotide variant.
Coding change: c.1808A>G on transcript NM_004100.5 (MANE Select); coding-DNA position 1808, A replaced by G.
Protein change: p.Asp603Gly; replaces aspartic acid 603 with glycine.
Molecular consequence: missense variant. On other transcripts: intron variant (3).
Genome position (GRCh38, 1-based): chr6:133,525,223, A>G. VCF-style: chr6-133525223-A-G. GRCh37 (hg19) VCF-style: chr6-133846361-A-G.
Other names: c.1826A>G, p.Asp609Gly (NM_001301013.2); c.1664A>G, p.Asp555Gly (NM_001370459.1); c.1739A>G, p.Asp580Gly (NM_172103.4); c.1839+108A>G (NM_172105.4); c.1770+108A>G (NM_001370458.1); c.1677+108A>G (NM_001301012.2); short protein forms D555G, D580G, D603G, D609G.
Identifiers: ClinVar variation 3680986 (VCV003680986.2).

ClinVar aggregate classification (germline): Uncertain significance (1 of 4 stars; one submission).

Conditions:
Dilated cardiomyopathy 1J (CMD1J). Also called: CARDIOMYOPATHY, DILATED, WITH SENSORINEURAL HEARING LOSS, AUTOSOMAL DOMINANT. Identifiers: Orphanet 217622, MedGen C1854368, MONDO:0011541, OMIM 605362.

gnomAD v4.1: 1 of 1,613,670 alleles (0.000062%); highest among the groups gnomAD compares: Admixed American, 0.0017%; no homozygotes.

Submission:

Labcorp Genetics (formerly Invitae), Labcorp
Classification: Uncertain significance for Dilated cardiomyopathy 1J. Last evaluated: 2025-06-08. Review status: criteria provided, single submitter. Criteria: Invitae Variant Classification Sherloc (09022015). Collection method: clinical testing. Allele origin: germline.
Comment: This sequence change replaces aspartic acid, which is acidic and polar, with glycine, which is neutral and non-polar, at codon 603 of the EYA4 protein (p.Asp603Gly). This variant is present in population databases (no rsID available, gnomAD 0.003%). This variant has not been reported in the literature in individuals affected with EYA4-related conditions. ClinVar contains an entry for this variant (Variation ID: 3680986). Invitae Evidence Modeling of protein sequence and biophysical properties (such as structural, functional, and spatial information, amino acid conservation, physicochemical variation, residue mobility, and thermodynamic stability) indicates that this missense variant is expected to disrupt EYA4 protein function with a positive predictive value of 80%. Algorithms developed to predict the effect of sequence changes on RNA splicing suggest that this variant may disrupt the consensus splice site. In summary, the available evidence is currently insufficient to determine the role of this variant in disease. Therefore, it has been classified as a Variant of Uncertain Significance.